The following is an entry in ClinVar:

ClinVar aggregate classification (germline): Uncertain significance (1 of 4 stars; one submission).

gnomAD v4.1: 1 of 1,613,974 alleles (0.000062%); highest among the groups gnomAD compares: South Asian, 0.0011%; no homozygotes.

Submission:

Ambry Genetics
Classification: Uncertain significance. Last evaluated: 2025-08-03. Review status: criteria provided, single submitter. Criteria: Ambry Variant Classification Scheme 2023. Collection method: clinical testing. Allele origin: germline.
Comment: The p.K1303R variant (also known as c.3908A>G), located in coding exon 8 of the MLH3 gene, results from an A to G substitution at nucleotide position 3908. The lysine at codon 1303 is replaced by arginine, an amino acid with highly similar properties. This amino acid position is conserved. In addition, the in silico prediction for this alteration is inconclusive. Based on the available evidence, the clinical significance of this variant remains unclear.

NM_001040108.2(MLH3):c.3908A>G (p.Lys1303Arg)

Gene: MLH3 (mutL homolog 3; minus strand). Cytogenetic location: 14q24.3.
Variant type: single nucleotide variant.
Coding change: c.3908A>G on transcript NM_001040108.2 (MANE Select); coding-DNA position 3908, A replaced by G.
Protein change: p.Lys1303Arg; replaces lysine 1303 with arginine.
Molecular consequence: missense variant.
Genome position (GRCh38, 1-based): chr14:75,030,622, T>C on the plus strand (A>G on the coding strand, the complement: MLH3 is on the minus strand). VCF-style: chr14-75030622-T-C. GRCh37 (hg19) VCF-style: chr14-75497325-T-C.
Other names: c.3836A>G, p.Lys1279Arg (NM_014381.3); short protein forms K1279R, K1303R.
Identifiers: ClinVar variation 4108657 (VCV004108657.1).